The following is an entry in ClinVar:

ClinVar aggregate classification (germline): Uncertain significance (1 of 4 stars; one submission).

gnomAD v4.1: 20 of 1,614,218 alleles (0.0012%); highest among the groups gnomAD compares: African/African-American, 0.0027%; no homozygotes.

Submission:

CeGaT Center for Human Genetics Tuebingen
Classification: Uncertain significance. Last evaluated: 2026-10-01. Review status: criteria provided, single submitter. Criteria: CeGaT Center For Human Genetics Tuebingen Variant Classification Criteria Version 2. Collection method: clinical testing. Allele origin: germline. Affected: yes. Observed: 1 variant allele.
Comment: ABAT: PM2

NM_020686.6(ABAT):c.1110C>G (p.Phe370Leu)

Gene: ABAT (4-aminobutyrate aminotransferase; plus strand). Cytogenetic location: 16p13.2.
Variant type: single nucleotide variant.
Coding change: c.1110C>G on transcript NM_020686.6 (MANE Select); coding-DNA position 1110, C replaced by G.
Protein change: p.Phe370Leu; replaces phenylalanine 370 with leucine.
Molecular consequence: missense variant.
Genome position (GRCh38, 1-based): chr16:8,775,045, C>G. VCF-style: chr16-8775045-C-G. GRCh37 (hg19) VCF-style: chr16-8868902-C-G.
Other names: c.1047C>G, p.Phe349Leu (NM_001386607.1, NM_001386606.1); c.1017C>G, p.Phe339Leu (NM_001386608.1); c.1110C>G, p.Phe370Leu (NM_001386609.1, NM_001386616.1, NM_000663.5 and 6 more transcripts); c.975C>G, p.Phe325Leu (NM_001386610.1, NM_001386611.1); c.912C>G, p.Phe304Leu (NM_001386612.1, NM_001386613.1); c.864C>G, p.Phe288Leu (NM_001386614.1); c.1206C>G, p.Phe402Leu (NM_001386615.1); c.1071C>G, p.Phe357Leu (NM_001386605.1); short protein forms F357L, F370L, F402L, F288L, F304L, F325L, F339L, F349L.
Identifiers: ClinVar variation 5041014 (VCV005041014.1).